The following is an entry in ClinVar:

ClinVar aggregate classification (germline): Uncertain significance. Review status: criteria provided, multiple submitters, no conflicts (2 of 4 stars). 2 submissions from 2 submitters: Uncertain significance (2). Last evaluated 2024-06-18.

Allele frequency attached by ClinVar (database versions not stated): gnomAD 0.00001; gnomAD exomes 0.00001; TOPMed 0.00001.
gnomAD v4.1: 21 of 1,609,636 alleles (0.0013%); highest among the groups gnomAD compares: East Asian, 0.0022%; no homozygotes.

Submissions (2):

Ambry Genetics
Classification: Uncertain significance. Last evaluated: 2024-06-18. Review status: criteria provided, single submitter. Criteria: Ambry Variant Classification Scheme 2023. Collection method: clinical testing. Allele origin: germline.

Labcorp Genetics (formerly Invitae), Labcorp
Classification: Uncertain significance. Last evaluated: 2022-11-03. Review status: criteria provided, single submitter. Criteria: Invitae Variant Classification Sherloc (09022015). Collection method: clinical testing. Allele origin: germline.
Comment: This variant has not been reported in the literature in individuals affected with TAOK2-related conditions. This variant is present in population databases (rs747450511, gnomAD 0.002%). This sequence change replaces arginine, which is basic and polar, with glutamine, which is neutral and polar, at codon 532 of the TAOK2 protein (p.Arg532Gln). Algorithms developed to predict the effect of missense changes on protein structure and function are either unavailable or do not agree on the potential impact of this missense change (SIFT: "Tolerated"; PolyPhen-2: "Possibly Damaging"; Align-GVGD: "Class C0"). In summary, the available evidence is currently insufficient to determine the role of this variant in disease. Therefore, it has been classified as a Variant of Uncertain Significance.

NM_016151.4(TAOK2):c.1595G>A (p.Arg532Gln)

Gene: TAOK2 (TAO kinase 2; plus strand). Cytogenetic location: 16p11.2.
Variant type: single nucleotide variant.
Coding change: c.1595G>A on transcript NM_016151.4 (MANE Select); coding-DNA position 1595, G replaced by A.
Protein change: p.Arg532Gln; replaces arginine 532 with glutamine.
Molecular consequence: missense variant.
Genome position (GRCh38, 1-based): chr16:29,985,385, G>A. VCF-style: chr16-29985385-G-A. GRCh37 (hg19) VCF-style: chr16-29996706-G-A.
Other names: c.1595G>A, p.Arg532Gln (NM_001252043.2, NM_004783.4); c.1595G>A (NM_016151.2); short protein forms R532Q.
Identifiers: ClinVar variation 2968362 (VCV002968362.4), dbSNP rs747450511, ClinGen allele CA280397212.